The following is an entry in ClinVar:

NM_004958.4(MTOR):c.119C>T (p.Ala40Val)

Gene: MTOR (mechanistic target of rapamycin kinase; minus strand). Cytogenetic location: 1p36.22.
Variant type: single nucleotide variant.
Coding change: c.119C>T on transcript NM_004958.4 (MANE Select); coding-DNA position 119, C replaced by T.
Protein change: p.Ala40Val; replaces alanine 40 with valine.
Molecular consequence: missense variant. On other transcripts: 5 prime UTR variant (1).
Genome position (GRCh38, 1-based): chr1:11,259,291, G>A on the plus strand (C>T on the coding strand, the complement: MTOR is on the minus strand). VCF-style: chr1-11259291-G-A. GRCh37 (hg19) VCF-style: chr1-11319348-G-A.
Other names: c.119C>T, p.Ala40Val (NM_001386500.1); c.-1021C>T (NM_001386501.1); short protein forms A40V.
Identifiers: ClinVar variation 1042166 (VCV001042166.8), dbSNP rs1650810271, ClinGen allele CA338405239.

ClinVar aggregate classification (germline): Uncertain significance (1 of 4 stars; one submission).

Submission:

Labcorp Genetics (formerly Invitae), Labcorp
Classification: Uncertain significance. Last evaluated: 2022-07-12. Review status: criteria provided, single submitter. Criteria: Invitae Variant Classification Sherloc (09022015). Collection method: clinical testing. Allele origin: germline.
Comment: This sequence change replaces alanine, which is neutral and non-polar, with valine, which is neutral and non-polar, at codon 40 of the MTOR protein (p.Ala40Val). This variant is not present in population databases (gnomAD no frequency). This variant has not been reported in the literature in individuals affected with MTOR-related conditions. ClinVar contains an entry for this variant (Variation ID: 1042166). Algorithms developed to predict the effect of missense changes on protein structure and function are either unavailable or do not agree on the potential impact of this missense change (SIFT: "Deleterious"; PolyPhen-2: "Benign"; Align-GVGD: "Class C0"). In summary, the available evidence is currently insufficient to determine the role of this variant in disease. Therefore, it has been classified as a Variant of Uncertain Significance.